The following is an entry in ClinVar:

NM_194255.4(SLC19A1):c.1A>G (p.Met1Val)

Gene: SLC19A1 (solute carrier family 19 member 1; minus strand). Cytogenetic location: 21q22.3.
Variant type: single nucleotide variant.
Coding change: c.1A>G on transcript NM_194255.4 (MANE Select); coding-DNA position 1, A replaced by G.
Protein change: p.Met1Val; changes the start codon (methionine 1).
Molecular consequence: missense variant, initiator codon variant. On other transcripts: 5 prime UTR variant (1).
Genome position (GRCh38, 1-based): chr21:45,537,959, T>C on the plus strand (A>G on the coding strand, the complement: SLC19A1 is on the minus strand). VCF-style: chr21-45537959-T-C. GRCh37 (hg19) VCF-style: chr21-46957873-T-C.
Other names: c.1A>G, p.Met1Val (NM_001205206.4, NM_001352511.3, NM_001352512.2); c.-358A>G (NM_001352510.2); short protein forms M1V.
Identifiers: ClinVar variation 2990175 (VCV002990175.1), dbSNP rs140904287, ClinGen allele CA10068765.
Genomic context (GRCh38, chr21:45,537,959, plus strand): 5'-CGGGGTCAGGCCCAGGTTCCACGGGCACCTGCTTCTCCACCGCTGGGCTGGAGGGCACCA[T>C]CCTGCTCAGGCCACGTGCAGCTCCGGAGGGGACGAAGGTGACGCTGTGCCTGGAAGGAGG-3'
Protein context (NP_919231.1, residues 1-11): [Met1Val]VPSSPAVEKQ

ClinVar aggregate classification (germline): Uncertain significance (1 of 4 stars; one submission).

Allele frequency attached by ClinVar (database versions not stated): gnomAD exomes 0.00001; gnomAD 0.00003; TOPMed 0.00003; ExAC 0.00007; ESP Exome Variant Server 0.00023.

Submission:

Labcorp Genetics (formerly Invitae), Labcorp
Classification: Uncertain significance. Last evaluated: 2023-07-25. Review status: criteria provided, single submitter. Criteria: Invitae Variant Classification Sherloc (09022015). Collection method: clinical testing. Allele origin: germline.
Comment: This variant is present in population databases (rs140904287, gnomAD 0.004%). This sequence change affects the initiator methionine of the SLC19A1 mRNA. The next in-frame methionine is located at codon 38. This variant has not been reported in the literature in individuals affected with SLC19A1-related conditions. Experimental studies and prediction algorithms are not available or were not evaluated, and the functional significance of this variant is currently unknown. In summary, the available evidence is currently insufficient to determine the role of this variant in disease. Therefore, it has been classified as a Variant of Uncertain Significance.